The following is an entry in ClinVar:

NM_001042492.3(NF1):c.1222T>G (p.Tyr408Asp)

Gene: NF1 (neurofibromin 1; plus strand). Cytogenetic location: 17q11.2.
Variant type: single nucleotide variant.
Coding change: c.1222T>G on transcript NM_001042492.3 (MANE Select); coding-DNA position 1222, T replaced by G.
Protein change: p.Tyr408Asp; replaces tyrosine 408 with aspartic acid.
Molecular consequence: missense variant.
Genome position (GRCh38, 1-based): chr17:31,201,447, T>G. VCF-style: chr17-31201447-T-G. GRCh37 (hg19) VCF-style: chr17-29528465-T-G.
Other names: c.1222T>G, p.Tyr408Asp (NM_001128147.3, NM_000267.4); short protein forms Y408D.
Identifiers: ClinVar variation 1009113 (VCV001009113.7), dbSNP rs2066528210, ClinGen allele CA398997596.
Genomic context (GRCh38, chr17:31,201,447, plus strand): 5'-GCTTTTTTTTTTCTTTTTCTATAGATCTGCCTGGCTCAGAATTCACCTTCTACATTTCAC[T>G]ATGTGCTGGTAAATTCACTCCATCGAATCATCACCAATGTAAGTCCAAAAGGTATTGCTA-3'
Protein context (NP_001035957.1, residues 398-418): LAQNSPSTFH[Tyr408Asp]VLVNSLHRII

ClinVar aggregate classification (germline): Uncertain significance. Review status: criteria provided, multiple submitters, no conflicts (2 of 4 stars). 2 submissions from 2 submitters: Uncertain significance (2). Last evaluated 2021-12-20.

Conditions:
Hereditary cancer-predisposing syndrome. Also called: Tumor predisposition; Hereditary Cancer Syndrome; Neoplastic Syndromes, Hereditary; Hereditary neoplastic syndrome. Identifiers: Orphanet 140162, MedGen C0027672, MeSH D009386, MONDO:0015356.
Cardiovascular phenotype. Identifiers: MedGen CN230736.
Neurofibromatosis, type 1 (NF1). Also called: VON RECKLINGHAUSEN DISEASE; Neurofibromatosis, type I; NEUROFIBROMATOSIS, TYPE I, SOMATIC; Peripheral type neurofibromatosis. Identifiers: Orphanet 636, MedGen C0027831, MONDO:0018975, OMIM 162200. Disease mechanism: loss of function.

Submissions (2):

Ambry Genetics
Classification: Uncertain significance for Cardiovascular phenotype; Hereditary cancer-predisposing syndrome. Last evaluated: 2021-12-20. Review status: criteria provided, single submitter. Criteria: Ambry Variant Classification Scheme 2023. Collection method: clinical testing. Allele origin: germline.
Comment: The p.Y408D variant (also known as c.1222T>G), located in coding exon 11 of the NF1 gene, results from a T to G substitution at nucleotide position 1222. The tyrosine at codon 408 is replaced by aspartic acid, an amino acid with highly dissimilar properties. This amino acid position is well conserved in available vertebrate species. In addition, the in silico prediction for this alteration is inconclusive. Since supporting evidence is limited at this time, the clinical significance of this alteration remains unclear.

Labcorp Genetics (formerly Invitae), Labcorp
Classification: Uncertain significance for Neurofibromatosis, type 1. Last evaluated: 2020-06-20. Review status: criteria provided, single submitter. Criteria: Invitae Variant Classification Sherloc (09022015). Collection method: clinical testing. Allele origin: germline.
Comment: Algorithms developed to predict the effect of missense changes on protein structure and function are either unavailable or do not agree on the potential impact of this missense change (SIFT: "Deleterious"; PolyPhen-2: "Possibly Damaging"; Align-GVGD: "Class C0"). This variant has not been reported in the literature in individuals with NF1-related conditions. This variant is not present in population databases (ExAC no frequency). This sequence change replaces tyrosine with aspartic acid at codon 408 of the NF1 protein (p.Tyr408Asp). The tyrosine residue is moderately conserved and there is a large physicochemical difference between tyrosine and aspartic acid. In summary, the available evidence is currently insufficient to determine the role of this variant in disease. Therefore, it has been classified as a Variant of Uncertain Significance.